The following is an entry in ClinVar:

NM_014844.5(TECPR2):c.744C>T (p.His248=)

Gene: TECPR2 (tectonin beta-propeller repeat containing 2; plus strand). Cytogenetic location: 14q32.31.
Variant type: single nucleotide variant.
Coding change: c.744C>T on transcript NM_014844.5 (MANE Select); coding-DNA position 744, C replaced by T.
Protein change: p.His248=; no amino-acid change (histidine 248 retained).
Molecular consequence: synonymous variant.
Genome position (GRCh38, 1-based): chr14:102,425,084, C>T. VCF-style: chr14-102425084-C-T. GRCh37 (hg19) VCF-style: chr14-102891421-C-T.
Other names: c.744C>T, p.His248= (NM_001172631.3).
Identifiers: ClinVar variation 1111789 (VCV001111789.31), dbSNP rs771721656, ClinGen allele CA7357519.
Genomic context (GRCh38, chr14:102,425,084, plus strand): 5'-AAGTGATCTAACCTTGTATGCGTCACGGCCCGGGCTCCGGCTATGGAAGGCTGATGTCCA[C>T]GGGACTGTTCAAGCCACGTTTATCTTAAAAGATGCTTTTGCCGGGGGAGTCAAGCCTTTT-3'
Protein context (NP_055659.2, residues 238-258): PGLRLWKADV[His248=]GTVQATFILK

ClinVar aggregate classification (germline): Likely benign. Review status: criteria provided, multiple submitters, no conflicts (2 of 4 stars). 2 submissions from 2 submitters: Likely benign (2). Last evaluated 2025-12-19.

Conditions:
Hereditary spastic paraplegia 49 (HSAN9). Also called: NEUROPATHY, HEREDITARY SENSORY AND AUTONOMIC, TYPE IX, WITH DEVELOPMENTAL DELAY; Spastic paraplegia 49, autosomal recessive; TECPR2-Related Hereditary Sensory and Autonomic Neuropathy with Intellectual Disability. Identifiers: Orphanet 320385, MedGen C5190860, MONDO:0014016, OMIM 615031.

Allele frequency attached by ClinVar (database versions not stated): gnomAD 0.00001; TOPMed 0.00003; gnomAD exomes 0.00004 and 0.00005; ExAC 0.00006.

Submissions (2):

Labcorp Genetics (formerly Invitae), Labcorp
Classification: Likely benign for Hereditary spastic paraplegia 49. Last evaluated: 2025-12-19. Review status: criteria provided, single submitter. Criteria: Invitae Variant Classification Sherloc (09022015). Collection method: clinical testing. Allele origin: germline.

CeGaT Center for Human Genetics Tuebingen
Classification: Likely benign. Last evaluated: 2024-02-01. Review status: criteria provided, single submitter. Criteria: CeGaT Center For Human Genetics Tuebingen Variant Classification Criteria Version 2. Collection method: clinical testing. Allele origin: germline. Affected: yes. Observed: 1 variant allele.
Comment: TECPR2: BP4, BP7